The following is an entry in ClinVar:

NM_001354435.2(C4orf54):c.2475C>T (p.His825=)

Gene: C4orf54 (chromosome 4 open reading frame 54; minus strand). Cytogenetic location: 4q23.
Variant type: single nucleotide variant.
Coding change: c.2475C>T on transcript NM_001354435.2 (MANE Select); coding-DNA position 2475, C replaced by T.
Protein change: p.His825=; no amino-acid change (histidine 825 retained).
Molecular consequence: synonymous variant.
Genome position (GRCh38, 1-based): chr4:99,652,174, G>A on the plus strand (C>T on the coding strand, the complement: C4orf54 is on the minus strand). VCF-style: chr4-99652174-G-A. GRCh37 (hg19) VCF-style: chr4-100573331-G-A.
Identifiers: ClinVar variation 2654973 (VCV002654973.24), dbSNP rs769377732, ClinGen allele CA3022624.
Genomic context (GRCh38, chr4:99,652,174, plus strand): 5'-GGAGGTGCCTGAGAGGTGGTGGGATGTATCCATGACTTCTCCCCTCTCCATTTTGAACTC[G>A]TGTTCCCGCTGCATCTTCTTGGAAATGACATTTTTGAGCAGACTGGAGGCGAACTTGGAC-3'
Protein context (NP_001341364.1, residues 815-835): NVISKKMQRE[His825=]EFKMERGEVM

ClinVar aggregate classification (germline): Likely benign (1 of 4 stars; one submission).

Allele frequency attached by ClinVar (database versions not stated): gnomAD 0.00002; TOPMed 0.00003; ExAC 0.00008.

Submission:

CeGaT Center for Human Genetics Tuebingen
Classification: Likely benign. Last evaluated: 2022-06-01. Review status: criteria provided, single submitter. Criteria: CeGaT Center For Human Genetics Tuebingen Variant Classification Criteria Version 2. Collection method: clinical testing. Allele origin: germline. Affected: yes. Observed: 1 variant allele.
Comment: C4orf54: BP4, BP7